The following is an entry in ClinVar:

ClinVar aggregate classification (germline): Uncertain significance. Review status: criteria provided, multiple submitters, no conflicts (2 of 4 stars). 5 submissions from 5 submitters: Uncertain significance (4). 1 of the submissions does not count toward it. Last evaluated 2022-06-02.

Conditions:
Walker-Warburg congenital muscular dystrophy. Also called: Muscular dystrophy-dystroglycanopathy, type A; Walker-Warburg syndrome. Identifiers: Orphanet 899, MedGen C0265221, MONDO:0000171.
Autosomal recessive limb-girdle muscular dystrophy type 2I. Also called: MUSCULAR DYSTROPHY-DYSTROGLYCANOPATHY (LIMB-GIRDLE), TYPE C, 5; MUSCULAR DYSTROPHY-DYSTROGLYCANOPATHY, LIMB-GIRDLE, FRKP-RELATED; MUSCULAR DYSTROPHY, LIMB-GIRDLE, TYPE 2I. Identifiers: Orphanet 34515, MedGen C1846672, MONDO:0011787, OMIM 607155.
Muscular dystrophy-dystroglycanopathy type B5 (MDDGB5). Also called: MUSCULAR DYSTROPHY-DYSTROGLYCANOPATHY (CONGENITAL WITH OR WITHOUT IMPAIRED INTELLECTUAL DEVELOPMENT), TYPE B, 5; MUSCULAR DYSTROPHY, CONGENITAL, 1C; MUSCULAR DYSTROPHY, CONGENITAL, FKRP-RELATED. Identifiers: MedGen C1847759, MONDO:0011688, OMIM 606612.
Muscular dystrophy-dystroglycanopathy (congenital with brain and eye anomalies), type A1 (MDDGA1). Also called: Muscular dystrophy-dystroglycanopathy (congenital with brain and eye anomalies), type A, 1; COD-MD SYNDROME; WALKER-WARBURG SYNDROME OR MUSCLE-EYE-BRAIN DISEASE, POMT1-RELATED; Hydrocephalus, agyria and retinal dysplasia; Hard +/- E syndrome; Warburg syndrome. Identifiers: Orphanet 588, Orphanet 899, MedGen C4284790, MONDO:0009364, OMIM 236670.
Muscular dystrophy-dystroglycanopathy (congenital with brain and eye anomalies), type A5. Also called: MUSCULAR DYSTROPHY-DYSTROGLYCANOPATHY (CONGENITAL WITH BRAIN AND EYE ANOMALIES), TYPE A, 5; WALKER-WARBURG SYNDROME OR MUSCLE-EYE-BRAIN DISEASE, FKRP-RELATED. Identifiers: Orphanet 588, Orphanet 899, MedGen C3150413, MONDO:0013157, OMIM 613153.

Allele frequency attached by ClinVar (database versions not stated): TOPMed below 0.00001.

Submissions (5):

Blueprint Genetics
Classification: Uncertain significance. Last evaluated: 2022-06-02. Review status: criteria provided, single submitter. Criteria: ACMG Guidelines, 2015. Collection method: clinical testing. Allele origin: germline.

Labcorp Genetics (formerly Invitae), Labcorp
Classification: Uncertain significance for Walker-Warburg congenital muscular dystrophy. Last evaluated: 2021-08-28. Review status: criteria provided, single submitter. Criteria: Invitae Variant Classification Sherloc (09022015). Collection method: clinical testing. Allele origin: germline.
Comment: This variant, c.1000_1017dup, results in the insertion of 6 amino acid(s) to the FKRP protein (p.Glu334_Arg339dup), but otherwise preserves the integrity of the reading frame. This variant is not present in population databases (ExAC no frequency). This variant has been observed in individual(s) with clinical features of FKRP-related disorders (PMID: 28688748). ClinVar contains an entry for this variant (Variation ID: 804807). Experimental studies and prediction algorithms are not available or were not evaluated, and the functional significance of this variant is currently unknown. In summary, the available evidence is currently insufficient to determine the role of this variant in disease. Therefore, it has been classified as a Variant of Uncertain Significance.

Fulgent Genetics
Classification: Uncertain significance for Muscular dystrophy-dystroglycanopathy (congenital with brain and eye anomalies), type A1; Muscular dystrophy-dystroglycanopathy type B5; Autosomal recessive limb-girdle muscular dystrophy type 2I; Muscular dystrophy-dystroglycanopathy (congenital with brain and eye anomalies), type A5. Last evaluated: 2021-07-27. Review status: criteria provided, single submitter. Criteria: ACMG Guidelines, 2015. Collection method: clinical testing. Allele origin: unknown.

Athena Diagnostics
Classification: Uncertain significance. Last evaluated: 2018-09-04. Review status: criteria provided, single submitter. Criteria: Athena Diagnostics Criteria. Collection method: clinical testing. Allele origin: germline.

Natera, Inc.
Classification: Uncertain significance for Limb-girdle muscular dystrophy type 2I. Last evaluated: 2021-02-11. Review status: no assertion criteria provided. Collection method: clinical testing. Allele origin: germline. Not counted in ClinVar's aggregate classification.

Literature cited by the submitters: PubMed 28688748 (cited by Labcorp Genetics (formerly Invitae), Labcorp and Athena Diagnostics).

NM_024301.5(FKRP):c.1000_1017dup (p.Glu334_Arg339dup)

Gene: FKRP (fukutin related protein; plus strand). Cytogenetic location: 19q13.32.
Variant type: Duplication.
Coding change: c.1000_1017dup on transcript NM_024301.5 (MANE Select); coding-DNA positions 1000 to 1017, 18 bases duplicated (GAGGCTGCGGGCGTGCGC).
Protein change: p.Glu334_Arg339dup.
Molecular consequence: inframe insertion.
Genome position (GRCh38, 1-based): chr19:46,756,450-46,756,467, GAGGCTGCGGGCGTGCGC duplicated. VCF-style (leftmost placement, unchanged base first): chr19-46756449-G-GGAGGCTGCGGGCGTGCGC. GRCh37 (hg19) VCF-style: chr19-47259706-G-GGAGGCTGCGGGCGTGCGC.
Other names: c.1000_1017dup, p.Glu334_Arg339dup (NM_001039885.3).
Identifiers: ClinVar variation 804807 (VCV000804807.9), dbSNP rs1599938256, ClinGen allele CA915951960.